The following is an entry in ClinVar:

NM_004750.5(CRLF1):c.528-4G>A

Gene: CRLF1 (cytokine receptor like factor 1; minus strand). Cytogenetic location: 19p13.11.
Variant type: single nucleotide variant.
Coding change: c.528-4G>A on transcript NM_004750.5 (MANE Select); 4 bases into the intron before coding-DNA position 528, G replaced by A.
Molecular consequence: intron variant.
Genome position (GRCh38, 1-based): chr19:18,598,605, C>T on the plus strand (G>A on the coding strand, the complement: CRLF1 is on the minus strand). VCF-style: chr19-18598605-C-T. GRCh37 (hg19) VCF-style: chr19-18709415-C-T.
Other names: p.?.
Identifiers: ClinVar variation 774955 (VCV000774955.49), dbSNP rs184575360, ClinGen allele CA9314202.

ClinVar aggregate classification (germline): Benign/Likely benign. Review status: criteria provided, multiple submitters, no conflicts (2 of 4 stars). 5 submissions from 5 submitters: Benign (3); Likely benign (2). Last evaluated 2026-05-01.

Conditions:
Inborn genetic diseases. Identifiers: MedGen C0950123, MeSH D030342.

Allele frequency attached by ClinVar (database versions not stated): 1000 Genomes Project 30x 0.00172; 1000 Genomes Project 0.00180; TOPMed 0.00306; gnomAD 0.00327 and 0.00328; ESP Exome Variant Server 0.00392; ExAC 0.00453.
gnomAD v4.1: 7,531 of 1,613,970 alleles (0.47%); highest among the groups gnomAD compares: Non-Finnish European, 0.55%; 23 homozygotes.

Submissions (5):

CeGaT Center for Human Genetics Tuebingen
Classification: Likely benign. Last evaluated: 2026-05-01. Review status: criteria provided, single submitter. Criteria: CeGaT Center For Human Genetics Tuebingen Variant Classification Criteria Version 2. Collection method: clinical testing. Allele origin: germline. Affected: yes. Observed: 3 variant alleles.
Comment: CRLF1: BP4, BS2

Labcorp Genetics (formerly Invitae), Labcorp
Classification: Benign. Last evaluated: 2026-02-01. Review status: criteria provided, single submitter. Criteria: Invitae Variant Classification Sherloc (09022015). Collection method: clinical testing. Allele origin: germline.

Ambry Genetics
Classification: Likely benign for Inborn genetic diseases. Last evaluated: 2025-03-26. Review status: criteria provided, single submitter. Criteria: Ambry Variant Classification Scheme 2023. Collection method: clinical testing. Allele origin: germline.

Blueprint Genetics
Classification: Benign. Last evaluated: 2024-11-25. Review status: criteria provided, single submitter. Criteria: ACMG Guidelines, 2015. Collection method: clinical testing. Allele origin: germline.

Mayo Clinic Laboratories, Mayo Clinic
Classification: Benign. Last evaluated: 2024-04-05. Review status: criteria provided, single submitter. Criteria: ACMG Guidelines, 2015. Collection method: clinical testing. Allele origin: germline. Observed: 19 variant alleles.
Comment: BS1, BS2, BP4, BP7